The following is an entry in ClinVar:

ClinVar aggregate classification (germline): Uncertain significance. Review status: criteria provided, multiple submitters, no conflicts (2 of 4 stars). 3 submissions from 3 submitters: Uncertain significance (3). Last evaluated 2026-01-20.

Conditions:
WFS1-related disorder. Identifiers: MedGen CN379391, MONDO:0700293.
Autosomal dominant nonsyndromic hearing loss 6 (LFSNHL). Also called: DEAFNESS, AUTOSOMAL DOMINANT 6; DEAFNESS, AUTOSOMAL DOMINANT 14; DEAFNESS, AUTOSOMAL DOMINANT 38; Autosomal dominant nonsyndromic deafness 6. Identifiers: Orphanet 90635, MedGen C1833021, MONDO:0010963, OMIM 600965.
Type 2 diabetes mellitus. Also called: Type II diabetes mellitus. Identifiers: MedGen C0011860, MeSH D003924, MONDO:0005148, OMIM 125853, HP:0005978.
Wolfram-like syndrome. Also called: HEARING LOSS, PROGRESSIVE, WITH OPTIC ATROPHY AND/OR IMPAIRED GLUCOSE REGULATION. Identifiers: Orphanet 411590, MedGen C3280358, MONDO:0013673, OMIM 614296.
Wolfram syndrome 1 (WFS1). Identifiers: Orphanet 3463, MedGen C4551693, MONDO:0009101, OMIM 222300.
Cataract 41 (CTRCT41). Also called: CATARACT 41, CONGENITAL NUCLEAR TYPE. Identifiers: Orphanet 91492, Orphanet 98991, Orphanet 98992, Orphanet 98995, MedGen C3805412, MONDO:0007287, OMIM 116400.

gnomAD v4.1: 7 of 1,613,958 alleles (0.00043%); highest among the groups gnomAD compares: East Asian, 0.013%; no homozygotes.

Submissions (3):

Labcorp Genetics (formerly Invitae), Labcorp
Classification: Uncertain significance. Last evaluated: 2026-01-20. Review status: criteria provided, single submitter. Criteria: Invitae Variant Classification Sherloc (09022015). Collection method: clinical testing. Allele origin: germline.
Comment: This sequence change replaces isoleucine, which is neutral and non-polar, with threonine, which is neutral and polar, at codon 636 of the WFS1 protein (p.Ile636Thr). This variant is present in population databases (no rsID available, gnomAD 0.02%). This variant has not been reported in the literature in individuals affected with WFS1-related conditions. ClinVar contains an entry for this variant (Variation ID: 3590721). Invitae Evidence Modeling of protein sequence and biophysical properties (such as structural, functional, and spatial information, amino acid conservation, physicochemical variation, residue mobility, and thermodynamic stability) indicates that this missense variant is not expected to disrupt WFS1 protein function with a negative predictive value of 80%. In summary, the available evidence is currently insufficient to determine the role of this variant in disease. Therefore, it has been classified as a Variant of Uncertain Significance.

3billion
Classification: Uncertain significance for WFS1-related disorder. Last evaluated: 2025-04-21. Review status: criteria provided, single submitter. Criteria: ACMG Guidelines, 2015. Collection method: clinical testing. Allele origin: germline. Affected: yes.

Fulgent Genetics
Classification: Uncertain significance for Cataract 41; Type 2 diabetes mellitus; Wolfram syndrome 1; Autosomal dominant nonsyndromic hearing loss 6; Wolfram-like syndrome. Last evaluated: 2024-02-29. Review status: criteria provided, single submitter. Criteria: ACMG Guidelines, 2015. Collection method: clinical testing. Allele origin: germline.

NM_006005.3(WFS1):c.1907T>C (p.Ile636Thr)

Gene: WFS1 (wolframin ER transmembrane glycoprotein; plus strand). Cytogenetic location: 4p16.1.
Variant type: single nucleotide variant.
Coding change: c.1907T>C on transcript NM_006005.3 (MANE Select); coding-DNA position 1907, T replaced by C.
Protein change: p.Ile636Thr; replaces isoleucine 636 with threonine.
Molecular consequence: missense variant.
Genome position (GRCh38, 1-based): chr4:6,301,702, T>C. VCF-style: chr4-6301702-T-C. GRCh37 (hg19) VCF-style: chr4-6303429-T-C.
Other names: c.1907T>C, p.Ile636Thr (NM_001145853.1); short protein forms I636T.
Identifiers: ClinVar variation 3590721 (VCV003590721.3).